The following is an entry in ClinVar:

NM_001085487.3(MYSM1):c.775C>T (p.Gln259Ter)

Gene: MYSM1 (Myb like, SWIRM and MPN domains 1; minus strand). Cytogenetic location: 1p32.1.
Variant type: single nucleotide variant.
Coding change: c.775C>T on transcript NM_001085487.3 (MANE Select); coding-DNA position 775, C replaced by T.
Protein change: p.Gln259Ter; replaces glutamine 259 with a stop codon.
Molecular consequence: nonsense.
Genome position (GRCh38, 1-based): chr1:58,682,269, G>A on the plus strand (C>T on the coding strand, the complement: MYSM1 is on the minus strand). VCF-style: chr1-58682269-G-A. GRCh37 (hg19) VCF-style: chr1-59147941-G-A.
Other names: short protein forms Q259*.
Identifiers: ClinVar variation 2843878 (VCV002843878.3), dbSNP rs2524284551, ClinGen allele CA340528284.
Genomic context (GRCh38, chr1:58,682,269, plus strand): 5'-AGCCCCTGGAAGACTTAGAAAAGAGAGCTTCCTGGCTGTCAGAAGTAATGAATTCTCCTT[G>A]ATTGGTTTCATGCATTTTACTATTAGGAAAGTCTAACAAGAGATCACTGCTAGAATTCTT-3'

ClinVar aggregate classification (germline): Pathogenic (1 of 4 stars; one submission).

Submission:

Labcorp Genetics (formerly Invitae), Labcorp
Classification: Pathogenic. Last evaluated: 2023-03-08. Review status: criteria provided, single submitter. Criteria: Invitae Variant Classification Sherloc (09022015). Collection method: clinical testing. Allele origin: germline.
Comment: This sequence change creates a premature translational stop signal (p.Gln259*) in the MYSM1 gene. It is expected to result in an absent or disrupted protein product. Loss-of-function variants in MYSM1 are known to be pathogenic (PMID: 24288411, 28115216). This variant is not present in population databases (gnomAD no frequency). This variant has not been reported in the literature in individuals affected with MYSM1-related conditions. For these reasons, this variant has been classified as Pathogenic.

Literature cited by the submitters: PubMed 24288411; PubMed 28115216.